The following is an entry in ClinVar:

NM_015338.6(ASXL1):c.2395G>T (p.Asp799Tyr)

Gene: ASXL1 (ASXL transcriptional regulator 1; plus strand). Cytogenetic location: 20q11.21.
Variant type: single nucleotide variant.
Coding change: c.2395G>T on transcript NM_015338.6 (MANE Select); coding-DNA position 2395, G replaced by T.
Protein change: p.Asp799Tyr; replaces aspartic acid 799 with tyrosine.
Molecular consequence: missense variant.
Genome position (GRCh38, 1-based): chr20:32,435,107, G>T. VCF-style: chr20-32435107-G-T. GRCh37 (hg19) VCF-style: chr20-31022910-G-T.
Other names: c.2212G>T, p.Asp738Tyr (NM_001363734.1); short protein forms D799Y, D738Y.
Identifiers: ClinVar variation 133594 (VCV000133594.16), dbSNP rs143594454, ClinGen allele CA157035.
Genomic context (GRCh38, chr20:32,435,107, plus strand): 5'-CCTCAGTTGCATCCGGATGTTAGAACTGAATGTGAGTCTGGCACCACTTCCTGGGAAAGT[G>T]ATGATGAGGAGCAAGGACCCACCGTTCCTGCAGACAATGGTCCCATTCCGTCTCTAGTGG-3'
Protein context (NP_056153.2, residues 789-809): CESGTTSWES[Asp799Tyr]DEEQGPTVPA

ClinVar aggregate classification (germline): Benign/Likely benign. Review status: criteria provided, multiple submitters, no conflicts (2 of 4 stars). 6 submissions from 6 submitters: Benign (4); Likely benign (1). 1 of the submissions does not count toward it. Last evaluated 2026-01-27.

Conditions:
Bohring-Opitz syndrome. Also called: ASXL1-Related Bohring-Opitz Syndrome; BOHRING SYNDROME; OPITZ TRIGONOCEPHALY-LIKE SYNDROME; C-LIKE SYNDROME. Identifiers: Orphanet 97297, MedGen C0796232, MONDO:0011510, OMIM 605039.

Allele frequency attached by ClinVar (database versions not stated): gnomAD exomes 0.00052 and 0.00132; ExAC 0.00163; 1000 Genomes Project 0.00479; gnomAD 0.00528 and 0.00568; 1000 Genomes Project 30x 0.00578; TOPMed 0.00624; ESP Exome Variant Server 0.00630.
gnomAD v4.1: 1,597 of 1,613,990 alleles (0.099%); highest among the groups gnomAD compares: African/African-American, 1.9%; 9 homozygotes.

Submissions (6):

Labcorp Genetics (formerly Invitae), Labcorp
Classification: Benign. Last evaluated: 2026-01-27. Review status: criteria provided, single submitter. Criteria: Invitae Variant Classification Sherloc (09022015). Collection method: clinical testing. Allele origin: germline.

Blueprint Genetics
Classification: Likely benign. Last evaluated: 2024-07-24. Review status: criteria provided, single submitter. Criteria: ACMG Guidelines, 2015. Collection method: clinical testing. Allele origin: germline.

Genome-Nilou Lab
Classification: Benign for Bohring-Opitz syndrome. Last evaluated: 2021-12-05. Review status: criteria provided, single submitter. Criteria: ACMG Guidelines, 2015. Collection method: clinical testing. Allele origin: germline. Affected: no.

GeneDx
Classification: Benign. Last evaluated: 2019-11-18. Review status: criteria provided, single submitter. Criteria: GeneDx Variant Classification Process June 2021. Collection method: clinical testing. Allele origin: germline. Affected: yes.

Center for Pediatric Genomic Medicine, Children's Mercy Hospital and Clinics
Classification: Benign. Last evaluated: 2017-03-31. Review status: criteria provided, single submitter. Criteria: ACMG Guidelines, 2015. Collection method: clinical testing. Allele origin: germline.

ITMI
No classification provided. Condition: AllHighlyPenetrant. Last evaluated: 2013-09-19. Review status: no classification provided. Collection method: reference population. Allele origin: germline. Not counted in ClinVar's aggregate classification.
Comment: Please see associated publication for description of ethnicities

Literature cited by the submitters: PubMed 24728327 (cited by ITMI).